The following is an entry in ClinVar:

NM_001394062.1(MACF1):c.9175G>T (p.Asp3059Tyr)

Gene: MACF1 (microtubule actin crosslinking factor 1; plus strand). Cytogenetic location: 1p34.3.
Variant type: single nucleotide variant.
Coding change: c.9175G>T on transcript NM_001394062.1 (MANE Select); coding-DNA position 9175, G replaced by T.
Protein change: p.Asp3059Tyr; replaces aspartic acid 3059 with tyrosine.
Molecular consequence: missense variant. On other transcripts: intron variant (1).
Genome position (GRCh38, 1-based): chr1:39,335,763, G>T. VCF-style: chr1-39335763-G-T. GRCh37 (hg19) VCF-style: chr1-39801435-G-T.
Other names: c.4629+8410G>T (NM_012090.5); short protein forms D3059Y.
Identifiers: ClinVar variation 3387984 (VCV003387984.14).

ClinVar aggregate classification (germline): Likely benign (1 of 4 stars; one submission).

gnomAD v4.1: 353 of 1,614,056 alleles (0.022%); highest among the groups gnomAD compares: Non-Finnish European, 0.027%; no homozygotes.

Submission:

CeGaT Center for Human Genetics Tuebingen
Classification: Likely benign. Last evaluated: 2024-10-01. Review status: criteria provided, single submitter. Criteria: CeGaT Center For Human Genetics Tuebingen Variant Classification Criteria Version 2. Collection method: clinical testing. Allele origin: germline. Affected: yes. Observed: 1 variant allele.
Comment: MACF1: BP4, BS1